The following is an entry in ClinVar:

NM_014244.5(ADAMTS2):c.858C>T (p.His286=)

Gene: ADAMTS2 (ADAM metallopeptidase with thrombospondin type 1 motif 2; minus strand). Cytogenetic location: 5q35.3.
Variant type: single nucleotide variant.
Coding change: c.858C>T on transcript NM_014244.5 (MANE Select); coding-DNA position 858, C replaced by T.
Protein change: p.His286=; no amino-acid change (histidine 286 retained).
Molecular consequence: synonymous variant.
Genome position (GRCh38, 1-based): chr5:179,207,546, G>A on the plus strand (C>T on the coding strand, the complement: ADAMTS2 is on the minus strand). VCF-style: chr5-179207546-G-A. GRCh37 (hg19) VCF-style: chr5-178634547-G-A.
Other names: p.His286=; c.858C>T, p.His286= (NM_021599.4).
Identifiers: ClinVar variation 353129 (VCV000353129.20), dbSNP rs66565583, ClinGen allele CA3596144.
Genomic context (GRCh38, chr5:179,207,546, plus strand): 5'-CCCTGCCCCCTCAGCCACCCCACTCACAATGTTCATGAGTGTCAGCAGGTACTTCTGTAC[G>A]TGCTCCTTCCCGTGGAACTGCACCACAGAGTCATCCACGCCCAGCAGGACCTCGATGTTG-3'
Protein context (NP_055059.2, residues 276-296): DSVVQFHGKE[His286=]VQKYLLTLMN

ClinVar aggregate classification (germline): Benign. Review status: criteria provided, multiple submitters, no conflicts (2 of 4 stars). 8 submissions from 8 submitters: Benign (7). 1 of the submissions does not count toward it. Last evaluated 2026-02-04.

Conditions:
Ehlers-Danlos syndrome, dermatosparaxis type. Also called: Ehlers-Danlos syndrome, type VII, autosomal recessive; EDS VIIC; Dermatosparaxis. Identifiers: Orphanet 1901, MedGen C2700425, MONDO:0009161, OMIM 225410.

Allele frequency attached by ClinVar (database versions not stated): 1000 Genomes Project 30x 0.13460; 1000 Genomes Project 0.13578; TOPMed 0.15716; gnomAD exomes 0.16637; gnomAD 0.17199 and 0.17241; ExAC 0.17224; ESP Exome Variant Server 0.17361.
gnomAD v4.1: 298,649 of 1,556,148 alleles (19%); highest among the groups gnomAD compares: Middle Eastern, 23%; 29,384 homozygotes.

Submissions (8):

Labcorp Genetics (formerly Invitae), Labcorp
Classification: Benign for Ehlers-Danlos syndrome, dermatosparaxis type. Last evaluated: 2026-02-04. Review status: criteria provided, single submitter. Criteria: Invitae Variant Classification Sherloc (09022015). Collection method: clinical testing. Allele origin: germline.

Blueprint Genetics
Classification: Benign. Last evaluated: 2024-11-26. Review status: criteria provided, single submitter. Criteria: ACMG Guidelines, 2015. Collection method: clinical testing. Allele origin: germline.

Genome-Nilou Lab
Classification: Benign for Ehlers-Danlos syndrome, dermatosparaxis type. Last evaluated: 2021-07-10. Review status: criteria provided, single submitter. Criteria: ACMG Guidelines, 2015. Collection method: clinical testing. Allele origin: germline. Affected: no.

Mayo Clinic Laboratories, Mayo Clinic
Classification: Benign. Last evaluated: 2019-03-13. Review status: criteria provided, single submitter. Criteria: ACMG Guidelines, 2015. Collection method: clinical testing. Allele origin: germline. Observed: 1,467 variant alleles.

Women's Health and Genetics/Laboratory Corporation of America, LabCorp
Classification: Benign. Last evaluated: 2018-04-10. Review status: criteria provided, single submitter. Criteria: LabCorp Variant Classification Summary - May 2015. Collection method: clinical testing. Allele origin: germline.
Comment: Variant summary: ADAMTS2 c.858C>T alters a non-conserved nucleotide resulting in a synonymous change. 5/5 computational tools predict no significant impact on normal splicing. However, these predictions have yet to be confirmed by functional studies. The variant allele was found at a frequency of 0.17 in 120654 control chromosomes in the ExAC database, including 2103 homozygotes. This frequency is approximately 60 fold above the estimated maximal expected allele frequency for a pathogenic variant in ADAMTS2 causing Ehlers-Danlos Syndrome, Type VIIC (Dermatosparaxis) phenotype (0.0029), strongly suggesting that the variant is benign. To our knowledge, no occurrence of c.858C>T in individuals affected with Ehlers-Danlos Syndrome, Type VIIC (Dermatosparaxis) and no experimental evidence demonstrating its impact on protein function have been reported. Two clinical diagnostic laboratories have submitted clinical-significance assessments for this variant to ClinVar after 2014 and classified the variant as benign/likely benign. Based on the evidence outlined above, the variant was classified as benign.

Illumina Laboratory Services, Illumina
Classification: Benign for Ehlers-Danlos syndrome, dermatosparaxis type. Last evaluated: 2018-01-12. Review status: criteria provided, single submitter. Criteria: ICSL Variant Classification Criteria 13 December 2019. Collection method: clinical testing. Allele origin: germline.
Comment: This variant was observed in the ICSL laboratory as part of a predisposition screen in an ostensibly healthy population. It had not been previously curated by ICSL or reported in the Human Gene Mutation Database (HGMD: prior to June 1st, 2018), and was therefore a candidate for classification through an automated scoring system. Utilizing variant allele frequency, disease prevalence and penetrance estimates, and inheritance mode, an automated score was calculated to assess if this variant is too frequent to cause the disease. Based on the score and internal cut-off values, a variant classified as benign is not then subjected to further curation. The score for this variant resulted in a classification of benign for this disease.

GeneDx
Classification: Benign. Last evaluated: 2016-10-05. Review status: criteria provided, single submitter. Criteria: GeneDx Variant Classification (06012015). Collection method: clinical testing. Allele origin: germline. Affected: yes.
Comment: This variant is considered likely benign or benign based on one or more of the following criteria: it is a conservative change, it occurs at a poorly conserved position in the protein, it is predicted to be benign by multiple in silico algorithms, and/or has population frequency not consistent with disease.

Natera, Inc.
Classification: Benign for Ehlers-Danlos syndrome type VIIC. Last evaluated: 2020-09-16. Review status: no assertion criteria provided. Collection method: clinical testing. Allele origin: germline. Not counted in ClinVar's aggregate classification.